The following is an entry in ClinVar:

ClinVar aggregate classification (germline): Uncertain significance (1 of 4 stars; one submission).

Conditions:
Inborn genetic diseases. Identifiers: MedGen C0950123, MeSH D030342.

Submission:

Ambry Genetics
Classification: Uncertain significance for Inborn genetic diseases. Last evaluated: 2023-06-18. Review status: criteria provided, single submitter. Criteria: Ambry Variant Classification Scheme 2023. Collection method: clinical testing. Allele origin: germline.
Comment: The p.Q316K variant (also known as c.946C>A), located in coding exon 10 of the ERCC2 gene, results from a C to A substitution at nucleotide position 946. The glutamine at codon 316 is replaced by lysine, an amino acid with similar properties. This amino acid position is conserved. In addition, this alteration is predicted to be tolerated by in silico analysis. Since supporting evidence is limited at this time, the clinical significance of this alteration remains unclear.

NM_000400.4(ERCC2):c.946C>A (p.Gln316Lys)

Gene: ERCC2 (ERCC excision repair 2, TFIIH core complex helicase subunit; minus strand). Cytogenetic location: 19q13.32.
Variant type: single nucleotide variant.
Coding change: c.946C>A on transcript NM_000400.4 (MANE Select); coding-DNA position 946, C replaced by A.
Protein change: p.Gln316Lys; replaces glutamine 316 with lysine.
Molecular consequence: missense variant.
Genome position (GRCh38, 1-based): chr19:45,363,989, G>T on the plus strand (C>A on the coding strand, the complement: ERCC2 is on the minus strand). VCF-style: chr19-45363989-G-T. GRCh37 (hg19) VCF-style: chr19-45867247-G-T.
Other names: c.874C>A, p.Gln292Lys (NM_001130867.2); short protein forms Q292K, Q316K.
Identifiers: ClinVar variation 2624814 (VCV002624814.2), dbSNP rs757790912, ClinGen allele CA9513574.